The following is an entry in ClinVar:

NM_000540.3(RYR1):c.9868G>A (p.Glu3290Lys)

Gene: RYR1 (ryanodine receptor 1; plus strand). Cytogenetic location: 19q13.2.
Variant type: single nucleotide variant.
Coding change: c.9868G>A on transcript NM_000540.3 (MANE Select); coding-DNA position 9868, G replaced by A.
Protein change: p.Glu3290Lys; replaces glutamic acid 3290 with lysine.
Molecular consequence: missense variant.
Genome position (GRCh38, 1-based): chr19:38,517,541, G>A. VCF-style: chr19-38517541-G-A. GRCh37 (hg19) VCF-style: chr19-39008181-G-A.
Other names: NM_000540.3(RYR1):c.9868G>A; p.(Glu3290Lys); NM_001042723.2:c.9868G>A; c.9868G>A, p.Glu3290Lys (NM_001042723.2); short protein forms E3290K.
Identifiers: ClinVar variation 1330369 (VCV001330369.5), dbSNP rs112151058, ClinGen allele CA308129882.
Genomic context (GRCh38, chr19:38,517,541, plus strand): 5'-ATCGAGATCACGCTGCCCATGCTATGCAGCTACCTGCCCCGATGGTGGGAGCGCGGGCCC[G>A]AGGCACCCCCTTCCGCCCTGCCCGCCGGCGCCCCCCCACCCTGCACAGCTGTCACCTCTG-3'
Protein context (NP_000531.2, residues 3280-3300): YLPRWWERGP[Glu3290Lys]APPSALPAGA

ClinVar aggregate classification (germline): Uncertain significance. Review status: reviewed by expert panel (3 of 4 stars). 4 submissions from 4 submitters: Uncertain significance (1). 3 of the submissions do not count toward it. Last evaluated 2025-08-01.

Conditions:
Central core myopathy (CMYO1A). Also called: CONGENITAL MYOPATHY 1A, AUTOSOMAL DOMINANT, WITH SUSCEPTIBILITY TO MALIGNANT HYPERTHERMIA; Central core disease; Myopathy, central fibrillar. Identifiers: Orphanet 597, MedGen C5830701, MONDO:0007294, OMIM 117000.
Malignant hyperthermia, susceptibility to, 1 (MHS1). Also called: Anesthesia related hyperthermia; Malignant hyperpyrexia; Fulminating hyperpyrexia; Pharmacogenic myopathy; Malignant hyperthermia suceptibility 1; RYR1-Related Malignant Hyperthermia Susceptibility. Identifiers: Orphanet 423, MedGen C2930980, MONDO:0007783, OMIM 145600.
Congenital multicore myopathy with external ophthalmoplegia (CMYO1B). Also called: MULTIMINICORE DISEASE WITH EXTERNAL OPHTHALMOPLEGIA; MULTICORE MYOPATHY; Minicore myopathy with external ophthalmoplegia; Congenital myopathy 1B, autosomal recessive; Minicore myopathy. Identifiers: Orphanet 598, Orphanet 98905, MedGen C1850674, MONDO:0009712, OMIM 255320, HP:0003789.
Congenital myopathy with fiber type disproportion. Also called: Congenital fiber-type disproportion; Congenital fiber-type disproportion myopathy. Identifiers: Orphanet 2020, MedGen C0546264, MONDO:0009711. Inheritance: all.
King Denborough syndrome (KDS). Identifiers: MedGen C1840365, MONDO:0020485, OMIM 619542.
RYR1-related disorder. Also called: RYR1-related disorders; RYR1-related condition. Identifiers: MedGen CN239331.
Malignant hyperthermia of anesthesia. Also called: Anesthesic-triggered malignant hyperthermia. Identifiers: Orphanet 423, MedGen C0024591, MONDO:0018493, HP:0034733.

Allele frequency attached by ClinVar (database versions not stated): gnomAD exomes 0.00001.
gnomAD v4.1: 12 of 1,613,722 alleles (0.00074%); highest among the groups gnomAD compares: African/African-American, 0.0013%; no homozygotes.

Submissions (4):

ClinGen Malignant Hyperthermia Susceptibility Variant Curation Expert Panel, ClinGen
Classification: Uncertain significance for Malignant hyperthermia of anesthesia. Last evaluated: 2025-08-01. Review status: reviewed by expert panel. Criteria: ClinGen MHS ACMG Specifications V2. Collection method: curation. Allele origin: germline. Inheritance: Autosomal dominant inheritance.
Comment: This pathogenicity assessment is relevant only for malignant hyperthermia susceptibility (MHS) inherited in an autosomal dominant pattern. Variants in RYR1 can also cause other myopathies inherited in an autosomal dominant pattern or in an autosomal recessive pattern. Some of these disorders may predispose individuals to malignant hyperthermia. RYR1 variants may also contribute to a malignant hyperthermia reaction in combination with other genetic and non-genetic factors and the clinician needs to consider such factors in making management decisions. This sequence variant predicts a substitution of glutamic acid with lysine at codon 3290 of the RYR1 protein, p.(Glu3290Lys). This variant was not present in a large population database (gnomAD) at the time this variant was interpreted. This variant has been reported in an individual with a personal or family history of an MH episode and a positive in vitro contracture test (IVCT) or caffeine halothane contracture test (CHCT) result (if the proband was unavailable for testing, a positive diagnostic test result in a mutation-positive relative was counted), however, this individual had a second variant of uncertain significance in RYR1 (p.Glu2880Lys), PS4 not implemented (PMID:19191329). No functional studies were identified for this variant. This variant does not reside in a hotspot for pathogenic variants that contribute to MHS. A REVEL score of 0.848 supports neither a pathogenic nor a benign status for this variant. This variant has been classified as a Variant of Unknown Significance. Criteria implemented: None.

Labcorp Genetics (formerly Invitae), Labcorp
Classification: Uncertain significance for RYR1-related disorder. Last evaluated: 2025-10-19. Review status: criteria provided, single submitter. Criteria: Invitae Variant Classification Sherloc (09022015). Collection method: clinical testing. Allele origin: germline. Not counted in ClinVar's aggregate classification.
Comment: This sequence change replaces glutamic acid, which is acidic and polar, with lysine, which is basic and polar, at codon 3290 of the RYR1 protein (p.Glu3290Lys). This variant is not present in population databases (gnomAD no frequency). This missense change has been observed in individual(s) with malignant hyperthermia (PMID: 19191329). ClinVar contains an entry for this variant (Variation ID: 1330369). Invitae Evidence Modeling of protein sequence and biophysical properties (such as structural, functional, and spatial information, amino acid conservation, physicochemical variation, residue mobility, and thermodynamic stability) indicates that this missense variant is not expected to disrupt RYR1 protein function with a negative predictive value of 80%. In summary, the available evidence is currently insufficient to determine the role of this variant in disease. Therefore, it has been classified as a Variant of Uncertain Significance.

Color Diagnostics, LLC DBA Color Health
Classification: Uncertain significance for Malignant hyperthermia, susceptibility to, 1. Last evaluated: 2024-02-03. Review status: criteria provided, single submitter. Criteria: ACMG Guidelines, 2015. Collection method: clinical testing. Allele origin: germline. Not counted in ClinVar's aggregate classification.
Comment: This missense variant replaces glutamic acid with lysine at codon 3290 of the RYR1 protein. Computational prediction suggests that this variant may have deleterious impact on protein structure and function. To our knowledge, functional studies have not been reported for this variant. This variant has been identified in an individual affected with malignant hyperthermia susceptibility, who carried another RYR1 variant of uncertain significance (PMID: 19191329). This variant has not been identified in the general population by the Genome Aggregation Database (gnomAD). The available evidence is insufficient to determine the role of this variant in disease conclusively. Therefore, this variant is classified as a Variant of Uncertain Significance.

Fulgent Genetics
Classification: Uncertain significance for Central core myopathy; Malignant hyperthermia, susceptibility to, 1; Congenital myopathy 4A, autosomal dominant; Congenital multicore myopathy with external ophthalmoplegia; King Denborough syndrome. Last evaluated: 2021-10-10. Review status: criteria provided, single submitter. Criteria: ACMG Guidelines, 2015. Collection method: clinical testing. Allele origin: unknown. Not counted in ClinVar's aggregate classification.

Literature cited by the submitters: PubMed 19191329 (cited by Labcorp Genetics (formerly Invitae), Labcorp and Color Diagnostics, LLC DBA Color Health).